The following is an entry in ClinVar:

ClinVar aggregate classification (germline): Uncertain significance (1 of 4 stars; one submission).

Submission:

Labcorp Genetics (formerly Invitae), Labcorp
Classification: Uncertain significance. Last evaluated: 2022-07-12. Review status: criteria provided, single submitter. Criteria: Invitae Variant Classification Sherloc (09022015). Collection method: clinical testing. Allele origin: germline.
Comment: This variant is a gross deletion of the genomic region encompassing exon(s) 32 of the RTTN gene. This variant would be expected to be in-frame, preserving the integrity of the reading frame. This variant has not been reported in the literature in individuals affected with RTTN-related conditions. Experimental studies and prediction algorithms are not available or were not evaluated, and the functional significance of this variant is currently unknown. In summary, the available evidence is currently insufficient to determine the role of this variant in disease. Therefore, it has been classified as a Variant of Uncertain Significance.

NC_000018.9:g.(?_67753829)_(67753940_?)del

Gene: RTTN (rotatin; minus strand). Cytogenetic location: 18q22.2.
Variant type: Deletion.
Identifiers: ClinVar variation 2427504 (VCV002427504.3).